The following is an entry in ClinVar:

ClinVar aggregate classification (germline): Likely pathogenic (1 of 4 stars; one submission).

Conditions:
Hereditary breast ovarian cancer syndrome. Also called: Hereditary breast and ovarian cancer syndrome (HBOC); Hereditary breast and ovarian cancer syndrome; Breast and ovarian cancer; Hereditary breast and ovarian cancer; Hereditary breast and/or ovarian cancer syndrome; BRCA1- and BRCA2-Associated Hereditary Breast and Ovarian Cancer. Identifiers: Orphanet 145, MedGen C0677776, MeSH D061325, MONDO:0003582. Disease mechanism: loss of function.

Submission:

Labcorp Genetics (formerly Invitae), Labcorp
Classification: Likely pathogenic for Hereditary breast ovarian cancer syndrome. Last evaluated: 2023-10-19. Review status: criteria provided, single submitter. Criteria: Invitae Variant Classification Sherloc (09022015). Collection method: clinical testing. Allele origin: germline.
Comment: This variant results in a copy number gain of the genomic region encompassing exon(s) 14-24 of the BRCA2 gene. While the exact position of this variant cannot be determined from the data, sub-genic copy number gains are generally in tandem (PMID: 25640679). This variant is predicted to be out-of-frame, and may result in an absent or disrupted protein product. Loss-of-function variants in BRCA2 are known to be pathogenic (PMID: 20104584). A similar copy number variant has been observed in individual(s) with clinical features of BRCA2-related conditions (PMID: 22544547). In summary, the currently available evidence indicates that the variant is pathogenic, but additional data are needed to prove that conclusively. Therefore, this variant has been classified as Likely Pathogenic.

Literature cited by the submitters: PubMed 25640679; PubMed 20104584; PubMed 22544547.

NC_000013.10:g.(?_32928978)_(32954302_?)dup

Gene: BRCA2 (BRCA2 DNA repair associated; plus strand). Cytogenetic location: 13q13.1.
Variant type: Duplication.
Identifiers: ClinVar variation 663419 (VCV000663419.9).